The following is an entry in ClinVar:

NM_001232.4(CASQ2):c.503T>C (p.Ile168Thr)

Gene: CASQ2 (calsequestrin 2; minus strand). Cytogenetic location: 1p13.1.
Variant type: single nucleotide variant.
Coding change: c.503T>C on transcript NM_001232.4 (MANE Select); coding-DNA position 503, T replaced by C.
Protein change: p.Ile168Thr; replaces isoleucine 168 with threonine.
Molecular consequence: missense variant.
Genome position (GRCh38, 1-based): chr1:115,738,253, A>G on the plus strand (T>C on the coding strand, the complement: CASQ2 is on the minus strand). VCF-style: chr1-115738253-A-G. GRCh37 (hg19) VCF-style: chr1-116280874-A-G.
Other names: p.I168T:ATT>ACT; short protein forms I168T.
Identifiers: ClinVar variation 190741 (VCV000190741.17), dbSNP rs148057999, ClinGen allele CA301894.

ClinVar aggregate classification (germline): Uncertain significance. Review status: criteria provided, multiple submitters, no conflicts (2 of 4 stars). 7 submissions from 7 submitters: Uncertain significance (7). Last evaluated 2025-12-19.

Conditions:
Cardiovascular phenotype. Identifiers: MedGen CN230736.
Catecholaminergic polymorphic ventricular tachycardia 1. Also called: RYR2-Related Catecholaminergic Polymorphic Ventricular Tachycardia; VENTRICULAR TACHYCARDIA, STRESS-INDUCED POLYMORPHIC 1; VENTRICULAR TACHYCARDIA, CATECHOLAMINERGIC POLYMORPHIC, 1, WITH OR WITHOUT ATRIAL DYSFUNCTION AND/OR DILATED CARDIOMYOPATHY. Identifiers: Orphanet 3286, MedGen C1631597, MONDO:0011484, OMIM 604772.
Catecholaminergic polymorphic ventricular tachycardia 2. Also called: CASQ2-Related Catecholaminergic Polymorphic Ventricular Tachycardia; VENTRICULAR TACHYCARDIA, STRESS-INDUCED POLYMORPHIC 2. Identifiers: Orphanet 3286, MedGen C2677794, MONDO:0012762, OMIM 611938.

Allele frequency attached by ClinVar (database versions not stated): gnomAD exomes 0.00001; ExAC 0.00002; gnomAD 0.00007; ESP Exome Variant Server 0.00008; TOPMed 0.00014.
gnomAD v4.1: 25 of 1,612,464 alleles (0.0016%); highest among the groups gnomAD compares: Admixed American, 0.025%; no homozygotes.

Submissions (7):

Labcorp Genetics (formerly Invitae), Labcorp
Classification: Uncertain significance for Catecholaminergic polymorphic ventricular tachycardia 1. Last evaluated: 2025-12-19. Review status: criteria provided, single submitter. Criteria: Invitae Variant Classification Sherloc (09022015). Collection method: clinical testing. Allele origin: germline.
Comment: This sequence change replaces isoleucine, which is neutral and non-polar, with threonine, which is neutral and polar, at codon 168 of the CASQ2 protein (p.Ile168Thr). This variant is present in population databases (rs148057999, gnomAD 0.003%). This missense change has been observed in individual(s) with CASQ2-related conditions (PMID: 36203036). ClinVar contains an entry for this variant (Variation ID: 190741). Invitae Evidence Modeling of protein sequence and biophysical properties (such as structural, functional, and spatial information, amino acid conservation, physicochemical variation, residue mobility, and thermodynamic stability) indicates that this missense variant is expected to disrupt CASQ2 protein function with a positive predictive value of 80%. In summary, the available evidence is currently insufficient to determine the role of this variant in disease. Therefore, it has been classified as a Variant of Uncertain Significance.

Ambry Genetics
Classification: Uncertain significance for Cardiovascular phenotype. Last evaluated: 2024-07-22. Review status: criteria provided, single submitter. Criteria: Ambry Variant Classification Scheme 2023. Collection method: clinical testing. Allele origin: germline.
Comment: The p.I168T variant (also known as c.503T>C), located in coding exon 4 of the CASQ2 gene, results from a T to C substitution at nucleotide position 503. The isoleucine at codon 168 is replaced by threonine, an amino acid with similar properties. This alteration has been reported in a sudden unexpected death cohort; however, clinical details were limited (Siskind T et al. J Community Genet, 2022 Dec;13:629-639). This amino acid position is not well conserved in available vertebrate species. In addition, the in silico prediction for this alteration is inconclusive. Based on the available evidence, the clinical significance of this variant remains unclear.

Genome-Nilou Lab
Classification: Uncertain significance for Catecholaminergic polymorphic ventricular tachycardia 2. Last evaluated: 2023-04-11. Review status: criteria provided, single submitter. Criteria: ACMG Guidelines, 2015. Collection method: clinical testing. Allele origin: germline. Affected: no.

Clinical Genomics Laboratory, Stanford Medicine
Classification: Uncertain significance for Catecholaminergic polymorphic ventricular tachycardia 2. Last evaluated: 2022-12-05. Review status: criteria provided, single submitter. Criteria: ACMG Guidelines, 2015. Collection method: clinical testing. Allele origin: germline. Observed: 1 variant allele, 1 heterozygote.
Comment: The p.Ile168Thr variant in the CASQ2 gene has been previously reported in an individual with sudden unexpected death and a history of syncope (Siskind et al., 2022). This individual was also found to carry a variant in the TRDN gene. This variant has been identified in 3/35,440 Latino/Admixed American chromosomes (5/282,842 chromosomes overall) by the Genome Aggregation Database. This variant is present in ClinVar (Variation ID: 190741). The isoleucine at position 168 is evolutionarily conserved. Computational tools predict that the p.Ile168Thr variant is deleterious; however, the accuracy of in silico algorithms is limited. These data were assessed using the ACMG/AMP variant interpretation guidelines. In summary, the significance of the p.Ile168Thr variant is uncertain. Additional information is needed to resolve the significance of this variant. [ACMG evidence codes used: PM2; PP3]

Women's Health and Genetics/Laboratory Corporation of America, LabCorp
Classification: Uncertain significance. Last evaluated: 2022-07-25. Review status: criteria provided, single submitter. Criteria: LabCorp Variant Classification Summary - May 2015. Collection method: clinical testing. Allele origin: germline.
Comment: Variant summary: CASQ2 c.503T>C (p.Ile168Thr) results in a non-conservative amino acid change located in the Calsequestrin, middle TRX-fold domain (IPR041858) of the encoded protein sequence. Five of five in-silico tools predict a damaging effect of the variant on protein function. The variant allele was found at a frequency of 1.2e-05 in 251436 control chromosomes (gnomAD). The available data on variant occurrences in the general population are insufficient to allow any conclusion about variant significance. To our knowledge, no occurrence of c.503T>C in individuals affected with Catecholaminergic Polymorphic Ventricular Tachycardia and no experimental evidence demonstrating its impact on protein function have been reported. Two ClinVar submitters (evaluation after 2014) cite the variant as uncertain significance. Based on the evidence outlined above, the variant was classified as uncertain significance.

Fulgent Genetics
Classification: Uncertain significance for Catecholaminergic polymorphic ventricular tachycardia 1; Catecholaminergic polymorphic ventricular tachycardia 2. Last evaluated: 2021-07-29. Review status: criteria provided, single submitter. Criteria: ACMG Guidelines, 2015. Collection method: clinical testing. Allele origin: unknown.

GeneDx
Classification: Uncertain significance. Last evaluated: 2021-01-04. Review status: criteria provided, single submitter. Criteria: GeneDx Variant Classification Process June 2021. Collection method: clinical testing. Allele origin: germline. Affected: yes.
Comment: Not observed at a significant frequency in large population cohorts (Lek et al., 2016); In silico analysis supports that this missense variant has a deleterious effect on protein structure/function; Has not been previously published as pathogenic or benign to our knowledge; This variant is associated with the following publications: (PMID: 31589614)

Literature cited by the submitters: PubMed 36203036 (cited by 3 submitters); PubMed 31589614 (cited by Women's Health and Genetics/Laboratory Corporation of America, LabCorp).